The following is an entry in ClinVar:

NM_001144967.3(NEDD4L):c.565G>C (p.Glu189Gln)

Gene: NEDD4L (NEDD4 like E3 ubiquitin protein ligase; plus strand). Cytogenetic location: 18q21.31.
Variant type: single nucleotide variant.
Coding change: c.565G>C on transcript NM_001144967.3 (MANE Select); coding-DNA position 565, G replaced by C.
Protein change: p.Glu189Gln; replaces glutamic acid 189 with glutamine.
Molecular consequence: missense variant.
Genome position (GRCh38, 1-based): chr18:58,325,047, G>C. VCF-style: chr18-58325047-G-C. GRCh37 (hg19) VCF-style: chr18-55992279-G-C.
Other names: c.202G>C, p.Glu68Gln (NM_001144964.1, NM_001144965.2, NM_001144966.3 and 2 more transcripts); c.541G>C, p.Glu181Gln (NM_001144968.2, NM_001144969.2); c.565G>C, p.Glu189Gln (NM_001243960.2, NM_015277.6); short protein forms E181Q, E68Q, E189Q.
Identifiers: ClinVar variation 3190737 (VCV003190737.3), dbSNP rs1225069951, ClinGen allele CA402552599.
Genomic context (GRCh38, chr18:58,325,047, plus strand): 5'-ATTCCGCAGCATGGATGGGAAGTTGTTGACTCAAATGACTCGGCTTCTCAGCACCAAGAG[G>C]AACTTCCTCCTCCTCCTCTGCCTCCCGGGTGGGAAGAAAAAGTGGACAATTTAGGCCGAA-3'
Protein context (NP_001138439.1, residues 179-199): SNDSASQHQE[Glu189Gln]LPPPPLPPGW

ClinVar aggregate classification (germline): Uncertain significance. Review status: criteria provided, multiple submitters, no conflicts (2 of 4 stars). 2 submissions from 2 submitters: Uncertain significance (2). Last evaluated 2024-07-20.

Conditions:
Inborn genetic diseases. Identifiers: MedGen C0950123, MeSH D030342.

Allele frequency attached by ClinVar (database versions not stated): gnomAD 0.00001; gnomAD exomes 0.00001; TOPMed 0.00001.
gnomAD v4.1: 16 of 1,613,880 alleles (0.00099%); highest among the groups gnomAD compares: Non-Finnish European, 0.0013%; no homozygotes.

Submissions (2):

Labcorp Genetics (formerly Invitae), Labcorp
Classification: Uncertain significance. Last evaluated: 2024-07-20. Review status: criteria provided, single submitter. Criteria: Invitae Variant Classification Sherloc (09022015). Collection method: clinical testing. Allele origin: germline.
Comment: This sequence change replaces glutamic acid, which is acidic and polar, with glutamine, which is neutral and polar, at codon 189 of the NEDD4L protein (p.Glu189Gln). This variant is present in population databases (no rsID available, gnomAD 0.0009%). This variant has not been reported in the literature in individuals affected with NEDD4L-related conditions. Advanced modeling of protein sequence and biophysical properties (such as structural, functional, and spatial information, amino acid conservation, physicochemical variation, residue mobility, and thermodynamic stability) performed at Invitae indicates that this missense variant is not expected to disrupt NEDD4L protein function with a negative predictive value of 80%. In summary, the available evidence is currently insufficient to determine the role of this variant in disease. Therefore, it has been classified as a Variant of Uncertain Significance.

Ambry Genetics
Classification: Uncertain significance for Inborn genetic diseases. Last evaluated: 2023-11-21. Review status: criteria provided, single submitter. Criteria: Ambry Variant Classification Scheme 2023. Collection method: clinical testing. Allele origin: germline.